The following is an entry in ClinVar:

NM_001349.4(DARS1):c.1149+7C>A

Gene: DARS1 (aspartyl-tRNA synthetase 1; minus strand). Cytogenetic location: 2q21.3.
Variant type: single nucleotide variant.
Coding change: c.1149+7C>A on transcript NM_001349.4 (MANE Select); 7 bases into the intron after coding-DNA position 1149, C replaced by A.
Molecular consequence: intron variant.
Genome position (GRCh38, 1-based): chr2:135,914,462, G>T on the plus strand (C>A on the coding strand, the complement: DARS1 is on the minus strand). VCF-style: chr2-135914462-G-T. GRCh37 (hg19) VCF-style: chr2-136672032-G-T.
Other names: c.849+7C>A (NM_001293312.1); c.1149+7C>A (NM_001349.3).
Identifiers: ClinVar variation 1682549 (VCV001682549.10), dbSNP rs373337130, ClinGen allele CA1889562.

ClinVar aggregate classification (germline): Likely benign. Review status: criteria provided, single submitter (1 of 4 stars). 2 submissions from 2 submitters: Likely benign (1). 1 of the submissions does not count toward it. Last evaluated 2022-10-24.

Conditions:
DARS1-related disorder. Also called: DARS1-related condition.

Allele frequency attached by ClinVar (database versions not stated): gnomAD exomes 0.00002; ExAC 0.00004; ESP Exome Variant Server 0.00015; gnomAD 0.00017 and 0.00020; TOPMed 0.00021.
gnomAD v4.1: 36 of 1,288,954 alleles (0.0028%); highest among the groups gnomAD compares: African/African-American, 0.047%; no homozygotes.

Submissions (2):

Labcorp Genetics (formerly Invitae), Labcorp
Classification: Likely benign. Last evaluated: 2022-10-24. Review status: criteria provided, single submitter. Criteria: Invitae Variant Classification Sherloc (09022015). Collection method: clinical testing. Allele origin: germline.

PreventionGenetics, part of Exact Sciences
Classification: Likely benign for DARS1-related condition. Last evaluated: 2019-12-09. Review status: no assertion criteria provided. Collection method: clinical testing. Allele origin: germline. Not counted in ClinVar's aggregate classification.
Comment: This variant is classified as likely benign based on ACMG/AMP sequence variant interpretation guidelines (Richards et al. 2015 PMID: 25741868, with internal and published modifications).